The following is an entry in ClinVar:

ClinVar aggregate classification (germline): Pathogenic (1 of 4 stars; one submission).

Conditions:
PGM1-congenital disorder of glycosylation. Also called: Congenital disorder of glycosylation type 1t; GSD XIV; CDG It; PHOSPHOGLUCOMUTASE 1 DEFICIENCY; PGM1 DEFICIENCY; GLYCOGEN STORAGE DISEASE XIV. Identifiers: Orphanet 319646, MedGen C2752015, MONDO:0013968, OMIM 614921.

Submission:

Labcorp Genetics (formerly Invitae), Labcorp
Classification: Pathogenic for PGM1-congenital disorder of glycosylation. Last evaluated: 2023-11-17. Review status: criteria provided, single submitter. Criteria: Invitae Variant Classification Sherloc (09022015). Collection method: clinical testing. Allele origin: germline.
Comment: This sequence change creates a premature translational stop signal (p.Ile500Metfs*5) in the PGM1 gene. It is expected to result in an absent or disrupted protein product. Loss-of-function variants in PGM1 are known to be pathogenic (PMID: 22492991). This variant is not present in population databases (gnomAD no frequency). This variant has not been reported in the literature in individuals affected with PGM1-related conditions. For these reasons, this variant has been classified as Pathogenic.

Literature cited by the submitters: PubMed 22492991.

NM_002633.3(PGM1):c.1500del (p.Ile500fs)

Gene: PGM1 (phosphoglucomutase 1; plus strand). Cytogenetic location: 1p31.3.
Variant type: Deletion.
Coding change: c.1500del on transcript NM_002633.3 (MANE Select); coding-DNA position 1500, one base deleted (C; older notation c.1500delC).
Protein change: p.Ile500fs; shifts the reading frame from isoleucine 500.
Molecular consequence: frameshift variant.
Genome position (GRCh38, 1-based): chr1:63,654,367, C deleted. VCF-style (leftmost placement, unchanged base first): chr1-63654366-TC-T. GRCh37 (hg19) VCF-style: chr1-64120037-TC-T.
Other names: c.1554del, p.Ile518fs (NM_001172818.1); c.909del, p.Ile303fs (NM_001172819.2); short protein forms I518fs, I303fs, I500fs.
Identifiers: ClinVar variation 2696539 (VCV002696539.3), dbSNP rs2523941865, ClinGen allele CA2697552470.